The following is an entry in ClinVar:

ClinVar aggregate classification (germline): Uncertain significance. Review status: criteria provided, multiple submitters, no conflicts (2 of 4 stars). 2 submissions from 2 submitters: Uncertain significance (2). Last evaluated 2021-11-15.

Conditions:
Inborn genetic diseases. Identifiers: MedGen C0950123, MeSH D030342.
Developmental and epileptic encephalopathy, 33 (DEE33). Also called: Epileptic encephalopathy, early infantile, 33. Identifiers: Orphanet 442835, MedGen C4225337, MONDO:0014625, OMIM 616409.

Submissions (2):

Ambry Genetics
Classification: Uncertain significance for Inborn genetic diseases. Last evaluated: 2021-11-15. Review status: criteria provided, single submitter. Criteria: Ambry Variant Classification Scheme 2023. Collection method: clinical testing. Allele origin: germline.

Labcorp Genetics (formerly Invitae), Labcorp
Classification: Uncertain significance for Developmental and epileptic encephalopathy, 33. Last evaluated: 2021-11-04. Review status: criteria provided, single submitter. Criteria: Invitae Variant Classification Sherloc (09022015). Collection method: clinical testing. Allele origin: germline.
Comment: This variant is not present in population databases (gnomAD no frequency). This variant has not been reported in the literature in individuals affected with EEF1A2-related conditions. Advanced modeling of protein sequence and biophysical properties (such as structural, functional, and spatial information, amino acid conservation, physicochemical variation, residue mobility, and thermodynamic stability) performed at Invitae indicates that this missense variant is expected to disrupt EEF1A2 protein function. In summary, the available evidence is currently insufficient to determine the role of this variant in disease. Therefore, it has been classified as a Variant of Uncertain Significance. This sequence change replaces glycine, which is neutral and non-polar, with glutamic acid, which is acidic and polar, at codon 397 of the EEF1A2 protein (p.Gly397Glu).

NM_001958.5(EEF1A2):c.1190G>A (p.Gly397Glu)

Gene: EEF1A2 (eukaryotic translation elongation factor 1 alpha 2; minus strand). Cytogenetic location: 20q13.33.
Variant type: single nucleotide variant.
Coding change: c.1190G>A on transcript NM_001958.5 (MANE Select); coding-DNA position 1190, G replaced by A.
Protein change: p.Gly397Glu; replaces glycine 397 with glutamic acid.
Molecular consequence: missense variant.
Genome position (GRCh38, 1-based): chr20:63,488,992, C>T on the plus strand (G>A on the coding strand, the complement: EEF1A2 is on the minus strand). VCF-style: chr20-63488992-C-T. GRCh37 (hg19) VCF-style: chr20-62120345-C-T.
Other names: c.1190G>A (NM_001958.2); short protein forms G397E.
Identifiers: ClinVar variation 1413730 (VCV001413730.7), dbSNP rs2145938753, ClinGen allele CA409644338.